The following is an entry in ClinVar:

NM_020738.4(KIDINS220):c.246G>A (p.Gly82=)

Gene: KIDINS220 (kinase D interacting substrate 220; minus strand). Cytogenetic location: 2p25.1.
Variant type: single nucleotide variant.
Coding change: c.246G>A on transcript NM_020738.4 (MANE Select); coding-DNA position 246, G replaced by A.
Protein change: p.Gly82=; no amino-acid change (glycine 82 retained).
Molecular consequence: synonymous variant. On other transcripts: non-coding transcript variant (2).
Genome position (GRCh38, 1-based): chr2:8,817,678, C>T on the plus strand (G>A on the coding strand, the complement: KIDINS220 is on the minus strand). VCF-style: chr2-8817678-C-T. GRCh37 (hg19) VCF-style: chr2-8957808-C-T.
Other names: c.246G>A, p.Gly82= (NM_001348729.2, NM_001348731.2, NM_001348732.2 and 9 more transcripts); c.120G>A, p.Gly40= (NM_001348736.2); c.246G>A (NM_020738.2).
Identifiers: ClinVar variation 1630868 (VCV001630868.11), dbSNP rs754259960, ClinGen allele CA1520483.
Genomic context (GRCh38, chr2:8,817,678, plus strand): 5'-CATATCACGGTGCTCCAAGTTAACCCCACATTTCAGTAGTTCCTCTACGATGTGCACATG[C>T]CCTTCTTTCGATGCAGATATAAGTGCTGTCCAATTATCCTTGAACATATATTTTAAAAGT-3'
Protein context (NP_065789.1, residues 72-92): WTALISASKE[Gly82=]HVHIVEELLK

ClinVar aggregate classification (germline): Likely benign. Review status: criteria provided, multiple submitters, no conflicts (2 of 4 stars). 3 submissions from 3 submitters: Likely benign (2). 1 of the submissions does not count toward it. Last evaluated 2025-12-27.

Conditions:
KIDINS220-related disorder. Also called: KIDINS220-related condition.

Allele frequency attached by ClinVar (database versions not stated): gnomAD 0.00001; gnomAD exomes 0.00001 and 0.00004; ExAC 0.00002; TOPMed 0.00002.
gnomAD v4.1: 12 of 1,607,550 alleles (0.00075%); highest among the groups gnomAD compares: Admixed American, 0.019%; no homozygotes.

Submissions (3):

Labcorp Genetics (formerly Invitae), Labcorp
Classification: Likely benign. Last evaluated: 2025-12-27. Review status: criteria provided, single submitter. Criteria: Invitae Variant Classification Sherloc (09022015). Collection method: clinical testing. Allele origin: germline.

Blueprint Genetics
Classification: Likely benign. Last evaluated: 2023-11-08. Review status: criteria provided, single submitter. Criteria: ACMG Guidelines, 2015. Collection method: clinical testing. Allele origin: germline.

PreventionGenetics, part of Exact Sciences
Classification: Likely benign for KIDINS220-related condition. Last evaluated: 2022-09-26. Review status: no assertion criteria provided. Collection method: clinical testing. Allele origin: germline. Not counted in ClinVar's aggregate classification.
Comment: This variant is classified as likely benign based on ACMG/AMP sequence variant interpretation guidelines (Richards et al. 2015 PMID: 25741868, with internal and published modifications).